The following is an entry in ClinVar:

ClinVar aggregate classification (germline): Uncertain significance (1 of 4 stars; one submission).

gnomAD v4.1: 4 of 1,613,846 alleles (0.00025%); highest among the groups gnomAD compares: Admixed American, 0.0017%; no homozygotes.

Submission:

Labcorp Genetics (formerly Invitae), Labcorp
Classification: Uncertain significance. Last evaluated: 2024-06-02. Review status: criteria provided, single submitter. Criteria: Invitae Variant Classification Sherloc (09022015). Collection method: clinical testing. Allele origin: germline.
Comment: This sequence change replaces threonine, which is neutral and polar, with alanine, which is neutral and non-polar, at codon 764 of the HPS5 protein (p.Thr764Ala). This variant is not present in population databases (gnomAD no frequency). This variant has not been reported in the literature in individuals affected with HPS5-related conditions. Algorithms developed to predict the effect of missense changes on protein structure and function output the following: SIFT: "Not Available"; PolyPhen-2: "Benign"; Align-GVGD: "Not Available". The alanine amino acid residue is found in multiple mammalian species, which suggests that this missense change does not adversely affect protein function. In summary, the available evidence is currently insufficient to determine the role of this variant in disease. Therefore, it has been classified as a Variant of Uncertain Significance.

NM_181507.2(HPS5):c.2290A>G (p.Thr764Ala)

Gene: HPS5 (HPS5 biogenesis of lysosomal organelles complex 2 subunit 2; minus strand). Cytogenetic location: 11p15.1.
Variant type: single nucleotide variant.
Coding change: c.2290A>G on transcript NM_181507.2 (MANE Select); coding-DNA position 2290, A replaced by G.
Protein change: p.Thr764Ala; replaces threonine 764 with alanine.
Molecular consequence: missense variant.
Genome position (GRCh38, 1-based): chr11:18,291,592, T>C on the plus strand (A>G on the coding strand, the complement: HPS5 is on the minus strand). VCF-style: chr11-18291592-T-C. GRCh37 (hg19) VCF-style: chr11-18313139-T-C.
Other names: c.1948A>G, p.Thr650Ala (NM_007216.4, NM_181508.2); short protein forms T650A, T764A.
Identifiers: ClinVar variation 3688174 (VCV003688174.2).
Genomic context (GRCh38, chr11:18,291,592, plus strand): 5'-GAAAAAAGTACTTCTTCAGGAACTGGCAAGCCAGAATTTCAGGAGAGTACTGTTGCAAAG[T>C]GTGGTCCACATGTCCACTGGTGCTTTTGATCTTAGAATTCAATACATTCAACTCCAAACA-3'
Protein context (NP_852608.1, residues 754-774): IKSTSGHVDH[Thr764Ala]LQQYSPEILA